The following is an entry in ClinVar:

ClinVar aggregate classification (germline): Conflicting classifications of pathogenicity. Review status: criteria provided, conflicting classifications (1 of 4 stars). 2 submissions from 2 submitters: Uncertain significance (1); Likely benign (1). Last evaluated 2025-08-20.

Conditions:
Neuroblastoma, susceptibility to, 3. Also called: ALK-Related Neuroblastic Tumor Susceptibility. Identifiers: Orphanet 635, MedGen C2751681, MONDO:0013083, OMIM 613014.
Hereditary cancer-predisposing syndrome. Also called: Hereditary neoplastic syndrome; Hereditary Cancer Syndrome; Tumor predisposition; Neoplastic Syndromes, Hereditary. Identifiers: Orphanet 140162, MedGen C0027672, MeSH D009386, MONDO:0015356.

Allele frequency attached by ClinVar (database versions not stated): gnomAD exomes below 0.00001 and 0.00001.
gnomAD v4.1: 7 of 1,614,178 alleles (0.00043%); highest among the groups gnomAD compares: South Asian, 0.0066%; no homozygotes.

Submissions (2):

Labcorp Genetics (formerly Invitae), Labcorp
Classification: Uncertain significance for Neuroblastoma, susceptibility to, 3. Last evaluated: 2025-08-20. Review status: criteria provided, single submitter. Criteria: Invitae Variant Classification Sherloc (09022015). Collection method: clinical testing. Allele origin: germline.
Comment: This sequence change replaces valine, which is neutral and non-polar, with isoleucine, which is neutral and non-polar, at codon 1545 of the ALK protein (p.Val1545Ile). This variant is present in population databases (no rsID available, gnomAD 0.01%). This variant has not been reported in the literature in individuals affected with ALK-related conditions. ClinVar contains an entry for this variant (Variation ID: 970509). An algorithm developed to predict the effect of missense changes on protein structure and function outputs the following: PolyPhen-2: "Benign". The isoleucine amino acid residue is found in multiple mammalian species, which suggests that this missense change does not adversely affect protein function. In summary, the available evidence is currently insufficient to determine the role of this variant in disease. Therefore, it has been classified as a Variant of Uncertain Significance.

Ambry Genetics
Classification: Likely benign for Hereditary cancer-predisposing syndrome. Last evaluated: 2025-01-02. Review status: criteria provided, single submitter. Criteria: Ambry Variant Classification Scheme 2023. Collection method: clinical testing. Allele origin: germline.

NM_004304.5(ALK):c.4633G>A (p.Val1545Ile)

Gene: ALK (ALK receptor tyrosine kinase; minus strand). Cytogenetic location: 2p23.2.
Variant type: single nucleotide variant.
Coding change: c.4633G>A on transcript NM_004304.5 (MANE Select); coding-DNA position 4633, G replaced by A.
Protein change: p.Val1545Ile; replaces valine 1545 with isoleucine.
Molecular consequence: missense variant.
Genome position (GRCh38, 1-based): chr2:29,193,454, C>T on the plus strand (G>A on the coding strand, the complement: ALK is on the minus strand). VCF-style: chr2-29193454-C-T. GRCh37 (hg19) VCF-style: chr2-29416320-C-T.
Other names: c.1429G>A, p.Val477Ile (NM_001353765.2); short protein forms V477I, V1545I.
Identifiers: ClinVar variation 970509 (VCV000970509.11), dbSNP rs1296992304, ClinGen allele CA346460558.